The following is an entry in ClinVar:

NM_000059.4(BRCA2):c.10203G>A (p.Thr3401=)

Gene: BRCA2 (BRCA2 DNA repair associated; plus strand). Cytogenetic location: 13q13.1.
Variant type: single nucleotide variant.
Coding change: c.10203G>A on transcript NM_000059.4 (MANE Select); coding-DNA position 10203, G replaced by A.
Protein change: p.Thr3401=; no amino-acid change (threonine 3401 retained).
Molecular consequence: synonymous variant.
Genome position (GRCh38, 1-based): chr13:32,398,716, G>A. VCF-style: chr13-32398716-G-A. GRCh37 (hg19) VCF-style: chr13-32972853-G-A.
Other names: p.T3401T:ACG>ACA.
Identifiers: ClinVar variation 135790 (VCV000135790.41), dbSNP rs147854265, ClinGen allele CA010452.

ClinVar aggregate classification (germline): Likely benign. Review status: reviewed by expert panel (3 of 4 stars). 17 submissions from 15 submitters: Likely benign (1). 16 of the submissions do not count toward it. Last evaluated 2017-06-29.

Conditions:
Breast and/or ovarian cancer. Identifiers: MedGen CN221562.
Hereditary cancer-predisposing syndrome. Also called: Tumor predisposition; Hereditary neoplastic syndrome; Neoplastic Syndromes, Hereditary; Hereditary Cancer Syndrome. Identifiers: Orphanet 140162, MedGen C0027672, MeSH D009386, MONDO:0015356.
Hereditary breast ovarian cancer syndrome. Also called: Hereditary breast and ovarian cancer; BRCA1- and BRCA2-Associated Hereditary Breast and Ovarian Cancer; Hereditary breast and/or ovarian cancer syndrome; Hereditary breast and ovarian cancer syndrome; Hereditary breast and ovarian cancer syndrome (HBOC); Breast and ovarian cancer. Identifiers: Orphanet 145, MedGen C0677776, MeSH D061325, MONDO:0003582. Disease mechanism: loss of function.
Breast-ovarian cancer, familial, susceptibility to, 2 (BROVCA2). Also called: BRCA2 Hereditary Breast and Ovarian Cancer. Identifiers: Orphanet 145, MedGen C2675520, MONDO:0012933, OMIM 612555. Disease mechanism: loss of function.
Fanconi anemia complementation group D1. Also called: BRCA2-Related Fanconi Anemia. Identifiers: Orphanet 319462, MedGen C1838457, MONDO:0011584, OMIM 605724.

Allele frequency attached by ClinVar (database versions not stated): TOPMed 0.00009; gnomAD 0.00017; ESP Exome Variant Server 0.00031; gnomAD exomes 0.00003; ExAC 0.00005.
gnomAD v4.1: 67 of 1,613,686 alleles (0.0042%); highest among the groups gnomAD compares: African/African-American, 0.025%; no homozygotes.

Submissions (17):

Evidence-based Network for the Interpretation of Germline Mutant Alleles (ENIGMA)
Classification: Likely benign for Breast-ovarian cancer, familial, susceptibility to, 2. Last evaluated: 2017-06-29. Review status: reviewed by expert panel. Criteria: ENIGMA BRCA1/2 Classification Criteria (2017-06-29). Collection method: curation. Allele origin: germline.
Comment: Synonymous substitution variant, with low bioinformatic likelihood to result in a splicing aberration (Splicing prior probability 0.02).

Labcorp Genetics (formerly Invitae), Labcorp
Classification: Benign for Hereditary breast ovarian cancer syndrome. Last evaluated: 2026-01-26. Review status: criteria provided, single submitter. Criteria: Invitae Variant Classification Sherloc (09022015). Collection method: clinical testing. Allele origin: germline. Not counted in ClinVar's aggregate classification.

Institute for Biomarker Research, Medical Diagnostic Laboratories, L.L.C.
Classification: Likely benign for Hereditary breast ovarian cancer syndrome. Last evaluated: 2025-02-06. Review status: criteria provided, single submitter. Criteria: ACMG Guidelines, 2015. Collection method: clinical testing. Allele origin: germline. Not counted in ClinVar's aggregate classification.
Comment: The synonymous variant NM_000059.4(BRCA2):c.10203G>A (p.Thr3401=) has been reported to ClinVar as Likely benign with a status of (3 stars) reviewed by expert panel (Variation ID 135790 as of 2025-01-02). The p.Thr3401= variant is not predicted to disrupt an existing splice site. The p.Thr3401= variant results in a substitution of a base that is not predicted conserved by GERP++ and PhyloP. For these reasons, this variant has been classified as Likely Benign.

Blueprint Genetics
Classification: Likely benign. Last evaluated: 2024-05-24. Review status: criteria provided, single submitter. Criteria: ACMG Guidelines, 2015. Collection method: clinical testing. Allele origin: germline. Not counted in ClinVar's aggregate classification.

Quest Diagnostics Nichols Institute San Juan Capistrano
Classification: Benign. Last evaluated: 2023-01-05. Review status: criteria provided, single submitter. Criteria: Quest Diagnostics criteria. Collection method: clinical testing. Allele origin: unknown. Not counted in ClinVar's aggregate classification.

CHEO Genetics Diagnostic Laboratory, Children's Hospital of Eastern Ontario
Classification: Likely benign for Breast and/or ovarian cancer. Last evaluated: 2022-10-03. Review status: criteria provided, single submitter. Criteria: ACMG Guidelines, 2015. Collection method: clinical testing. Allele origin: germline. Not counted in ClinVar's aggregate classification.

Sema4
Classification: Likely benign for Hereditary cancer-predisposing syndrome. Last evaluated: 2021-07-10. Review status: criteria provided, single submitter. Criteria: Sema4 Curation Guidelines. Collection method: curation. Allele origin: germline. Not counted in ClinVar's aggregate classification.

Women's Health and Genetics/Laboratory Corporation of America, LabCorp
Classification: Likely benign. Last evaluated: 2021-01-15. Review status: criteria provided, single submitter. Criteria: LabCorp Variant Classification Summary - May 2015. Collection method: clinical testing. Allele origin: germline. Not counted in ClinVar's aggregate classification.

Institute for Biomarker Research, Medical Diagnostic Laboratories, L.L.C.
Classification: Likely benign for Hereditary cancer-predisposing syndrome. Last evaluated: 2018-05-23. Review status: criteria provided, single submitter. Criteria: ACMG Guidelines, 2015. Collection method: clinical testing. Allele origin: germline. Not counted in ClinVar's aggregate classification.

Illumina Laboratory Services, Illumina
Classification: Uncertain significance for Fanconi anemia complementation group D1. Last evaluated: 2018-01-13. Review status: criteria provided, single submitter. Criteria: ICSL Variant Classification Criteria 13 December 2019. Collection method: clinical testing. Allele origin: germline. Not counted in ClinVar's aggregate classification.

Illumina Laboratory Services, Illumina
Classification: Uncertain significance for Breast-ovarian cancer, familial, susceptibility to, 2. Last evaluated: 2018-01-13. Review status: criteria provided, single submitter. Criteria: ICSL Variant Classification Criteria 13 December 2019. Collection method: clinical testing. Allele origin: germline. Not counted in ClinVar's aggregate classification.

PreventionGenetics, part of Exact Sciences
Classification: Likely benign. Last evaluated: 2017-03-16. Review status: criteria provided, single submitter. Criteria: ACMG Guidelines, 2015. Collection method: clinical testing. Allele origin: germline. Not counted in ClinVar's aggregate classification.

ARUP Laboratories, Molecular Genetics and Genomics, ARUP Laboratories
Classification: Likely benign. Last evaluated: 2017-03-13. Review status: criteria provided, single submitter. Criteria: ARUP Molecular Germline Variant Investigation Process. Collection method: clinical testing. Allele origin: germline. Not counted in ClinVar's aggregate classification.

Color Diagnostics, LLC DBA Color Health
Classification: Likely benign for Hereditary cancer-predisposing syndrome. Last evaluated: 2015-11-17. Review status: criteria provided, single submitter. Criteria: ACMG Guidelines, 2015. Collection method: clinical testing. Allele origin: germline. Not counted in ClinVar's aggregate classification.

Ambry Genetics
Classification: Likely benign for Hereditary cancer-predisposing syndrome. Last evaluated: 2014-10-28. Review status: criteria provided, single submitter. Criteria: Ambry Variant Classification Scheme 2023. Collection method: clinical testing. Allele origin: germline. Not counted in ClinVar's aggregate classification.

GeneDx
Classification: Benign. Last evaluated: 2014-03-31. Review status: criteria provided, single submitter. Criteria: GeneDx Variant Classification (06012015). Collection method: clinical testing. Allele origin: germline. Affected: yes. Not counted in ClinVar's aggregate classification.
Comment: This variant is considered likely benign or benign based on one or more of the following criteria: it is a conservative change, it occurs at a poorly conserved position in the protein, it is predicted to be benign by multiple in silico algorithms, and/or has population frequency not consistent with disease.

Department of Pathology and Laboratory Medicine, Sinai Health System
Classification: Likely benign for Breast-ovarian cancer, familial, susceptibility to, 2. Review status: no assertion criteria provided. Collection method: clinical testing. Allele origin: unknown. Affected: yes. Study: The Canadian Open Genetics Repository (COGR). Not counted in ClinVar's aggregate classification.
Comment: The BRCA2 p.Thr3401= variant was identified in 2 of 18,724 proband chromosomes (frequency: 0.0001) from individuals or families with hereditary breast and ovarian cancer and was present in 2 of 22,642 control chromosomes (frequency: 0.00009) from healthy individuals (Momozawa 2018, Borg 2010, Stegel 2011). The variant was identified in dbSNP (rs147854265) as â€šÃ„Ãºwith likely benign, other alleleâ€šÃ„Ã¹, ClinVar (classified as likely benign by Ambry Genetics, Color, PreventionGenetics and 6 other submitters; and as benign by GeneDx and Invitae) and LOVD 3.0 (observed 18x). The variant was not identified in UMD-LSDB. The variant was identified in control databases in 15 of 282,140 chromosomes at a frequency of 0.00005 (Genome Aggregation Database Feb 27, 2017). The variant was observed in the following populations: African in 7 of 24,948 chromosomes (freq: 0.0003), Other in 2 of 7202 chromosomes (freq: 0.0003), European in 5 of 128,822 chromosomes (freq: 0.00004), and South Asian in 1 of 30,504 chromosomes (freq: 0.0003); it was not observed in the Latino, Ashkenazi Jewish, East Asian or Finnish populations. The p.Thr3401= variant is not expected to have clinical significance because it does not result in a change of amino acid and is not located in a known consensus splice site. The variant occurs at a non-highly conserved nucleotide outside of the splicing consensus sequence and in silico or computational prediction software programs (SpliceSiteFinder, MaxEntScan, NNSPLICE, GeneSplicer) do not predict a difference in splicing. In summary, based on the above information, the clinical significance of this variant cannot be determined with certainty at this time although we would lean towards a more benign role for this variant. This variant is classified as likely benign.

Literature cited by the submitters: PubMed 20104584 (cited by 3 submitters); PubMed 21232165 (cited by 3 submitters); PubMed 28288110 (cited by Quest Diagnostics Nichols Institute San Juan Capistrano and Women's Health and Genetics/Laboratory Corporation of America, LabCorp); PubMed 30287823 (cited by Quest Diagnostics Nichols Institute San Juan Capistrano).